The following is an entry in ClinVar:

NM_024339.5(THOC6):c.343del (p.Arg115fs)

Gene: THOC6 (THO complex subunit 6; plus strand). Cytogenetic location: 16p13.3.
Variant type: Deletion.
Coding change: c.343del on transcript NM_024339.5 (MANE Select); coding-DNA position 343, one base deleted (C; older notation c.343delC).
Protein change: p.Arg115fs; shifts the reading frame from arginine 115.
Molecular consequence: frameshift variant.
Genome position (GRCh38, 1-based): chr16:3,026,269, C deleted. VCF-style (leftmost placement, unchanged base first): chr16-3026268-GC-G. GRCh37 (hg19) VCF-style: chr16-3076269-GC-G.
Other names: c.343del, p.Arg115fs (NM_001142350.3, NM_001347704.2); c.271del, p.Arg91fs (NM_001347703.2); c.343delC (NM_024339.4); short protein forms R115fs, R91fs.
Identifiers: ClinVar variation 1684068 (VCV001684068.4), dbSNP rs1567415819, ClinGen allele CA919641725.

ClinVar aggregate classification (germline): Pathogenic/Likely pathogenic. Review status: criteria provided, multiple submitters, no conflicts (2 of 4 stars). 2 submissions from 2 submitters: Pathogenic (1); Likely pathogenic (1). Last evaluated 2026-02-06.

Conditions:
THOC6-related disorder. Also called: THOC6-related condition.

Allele frequency attached by ClinVar (database versions not stated): gnomAD exomes below 0.00001.

Submissions (2):

GeneDx
Classification: Pathogenic. Last evaluated: 2026-02-06. Review status: criteria provided, single submitter. Criteria: GeneDx Variant Classification Process June 2021. Collection method: clinical testing. Allele origin: germline. Affected: yes.
Comment: Frameshift variant predicted to result in protein truncation or nonsense mediated decay in a gene for which loss of function is a known mechanism of disease; Not observed at significant frequency in large population cohorts (gnomAD); Has not been previously published as pathogenic or benign to our knowledge

PreventionGenetics, part of Exact Sciences
Classification: Likely pathogenic for THOC6-related condition. Last evaluated: 2023-07-21. Review status: criteria provided, single submitter. Criteria: ACMG Guidelines, 2015. Collection method: clinical testing. Allele origin: germline.
Comment: The THOC6 c.343delC variant is predicted to result in a frameshift and premature protein termination (p.Arg116Valfs*155). To our knowledge, this variant has not been reported in the literature. This variant is reported in 0.00088% of alleles in individuals of European (Non-Finnish) descent in gnomAD. Frameshift variants in THOC6 are expected to be pathogenic. This variant is interpreted as likely pathogenic.